The following is an entry in ClinVar:

NM_001286577.2(C2CD3):c.719A>G (p.His240Arg)

Gene: C2CD3 (C2 domain containing 3 centriole elongation regulator; minus strand). Cytogenetic location: 11q13.4.
Variant type: single nucleotide variant.
Coding change: c.719A>G on transcript NM_001286577.2 (MANE Select); coding-DNA position 719, A replaced by G.
Protein change: p.His240Arg; replaces histidine 240 with arginine.
Molecular consequence: missense variant.
Genome position (GRCh38, 1-based): chr11:74,138,956, T>C on the plus strand (A>G on the coding strand, the complement: C2CD3 is on the minus strand). VCF-style: chr11-74138956-T-C. GRCh37 (hg19) VCF-style: chr11-73850001-T-C.
Other names: c.719A>G, p.His240Arg (NM_015531.6); short protein forms H240R.
Identifiers: ClinVar variation 3360765 (VCV003360765.1).

ClinVar aggregate classification (germline): Uncertain significance (1 of 4 stars; one submission).

gnomAD v4.1: 1 of 1,610,302 alleles (0.000062%); highest among the groups gnomAD compares: Non-Finnish European, 0.000085%; no homozygotes.

Submission:

GeneDx
Classification: Uncertain significance. Last evaluated: 2023-07-12. Review status: criteria provided, single submitter. Criteria: GeneDx Variant Classification Process June 2021. Collection method: clinical testing. Allele origin: germline. Affected: yes.
Comment: Not observed at significant frequency in large population cohorts (gnomAD); In silico analysis supports that this missense variant has a deleterious effect on protein structure/function; Has not been previously published as pathogenic or benign to our knowledge